The following is an entry in ClinVar:

NM_000051.4(ATM):c.6055T>A (p.Tyr2019Asn)

Genes: ATM (ATM serine/threonine kinase; plus strand), C11orf65 (chromosome 11 open reading frame 65; minus strand). Cytogenetic location: 11q22.3.
Variant type: single nucleotide variant.
Coding change: c.6055T>A on transcript NM_000051.4 (MANE Select); coding-DNA position 6055, T replaced by A.
Protein change: p.Tyr2019Asn; replaces tyrosine 2019 with asparagine.
Molecular consequence: missense variant. On other transcripts: intron variant (2).
Genome position (GRCh38, 1-based): chr11:108,315,871, T>A. VCF-style: chr11-108315871-T-A. GRCh37 (hg19) VCF-style: chr11-108186598-T-A.
Other names: c.6055T>A, p.Tyr2019Asn (NM_001351834.2); c.641-6800A>T (NM_001330368.2); c.*39-6800A>T (NM_001351110.2); short protein forms Y2019N.
Identifiers: ClinVar variation 1810187 (VCV001810187.4), dbSNP rs1591776885, ClinGen allele CA382550007.

ClinVar aggregate classification (germline): Uncertain significance. Review status: criteria provided, multiple submitters, no conflicts (2 of 4 stars). 3 submissions from 3 submitters: Uncertain significance (3). Last evaluated 2024-10-31.

Conditions:
Hereditary cancer-predisposing syndrome. Also called: Tumor predisposition; Hereditary Cancer Syndrome; Hereditary neoplastic syndrome; Neoplastic Syndromes, Hereditary. Identifiers: Orphanet 140162, MedGen C0027672, MeSH D009386, MONDO:0015356.
Ataxia-telangiectasia syndrome (AT). Also called: Ataxia-telangiectasia, complementation group D; AT, COMPLEMENTATION GROUP C; ATAXIA-TELANGIECTASIA, COMPLEMENTATION GROUP A; ATAXIA-TELANGIECTASIA, FRESNO VARIANT; Ataxia-telangiectasia, complementation group E; LOUIS-BAR SYNDROME. Identifiers: Orphanet 100, MedGen C0004135, MONDO:0008840, OMIM 208900.

Submissions (3):

Labcorp Genetics (formerly Invitae), Labcorp
Classification: Uncertain significance for Ataxia-telangiectasia syndrome. Last evaluated: 2024-10-31. Review status: criteria provided, single submitter. Criteria: Invitae Variant Classification Sherloc (09022015). Collection method: clinical testing. Allele origin: germline.
Comment: This sequence change replaces tyrosine, which is neutral and polar, with asparagine, which is neutral and polar, at codon 2019 of the ATM protein (p.Tyr2019Asn). This variant is not present in population databases (gnomAD no frequency). This variant has not been reported in the literature in individuals affected with ATM-related conditions. ClinVar contains an entry for this variant (Variation ID: 1810187). Invitae Evidence Modeling of protein sequence and biophysical properties (such as structural, functional, and spatial information, amino acid conservation, physicochemical variation, residue mobility, and thermodynamic stability) has been performed for this missense variant. However, the output from this modeling did not meet the statistical confidence thresholds required to predict the impact of this variant on ATM protein function. In summary, the available evidence is currently insufficient to determine the role of this variant in disease. Therefore, it has been classified as a Variant of Uncertain Significance.

Ambry Genetics
Classification: Uncertain significance for Hereditary cancer-predisposing syndrome. Last evaluated: 2024-03-28. Review status: criteria provided, single submitter. Criteria: Ambry Variant Classification Scheme 2023. Collection method: clinical testing. Allele origin: germline.
Comment: The p.Y2019N variant (also known as c.6055T>A), located in coding exon 40 of the ATM gene, results from a T to A substitution at nucleotide position 6055. The tyrosine at codon 2019 is replaced by asparagine, an amino acid with dissimilar properties. This amino acid position is highly conserved in available vertebrate species. In addition, the in silico prediction for this alteration is inconclusive. Based on the available evidence, the clinical significance of this alteration remains unclear.

GeneDx
Classification: Uncertain significance. Last evaluated: 2022-06-27. Review status: criteria provided, single submitter. Criteria: GeneDx Variant Classification Process June 2021. Collection method: clinical testing. Allele origin: germline. Affected: yes.
Comment: Not observed at significant frequency in large population cohorts (gnomAD); In silico analysis supports that this missense variant has a deleterious effect on protein structure/function; Has not been previously published as pathogenic or benign to our knowledge; This variant is associated with the following publications: (PMID: 23532176)